The following is an entry in ClinVar:

ClinVar aggregate classification (germline): Uncertain significance. Review status: criteria provided, single submitter (1 of 4 stars). 2 submissions from 2 submitters: Uncertain significance (1). 1 of the submissions does not count toward it. Last evaluated 2022-06-04.

Conditions:
Autosomal recessive limb-girdle muscular dystrophy type 2B (LGMDR2). Also called: Limb-girdle muscular dystrophy, type 2B; MUSCULAR DYSTROPHY, LIMB-GIRDLE, TYPE 3; Limb-Girdle Muscular Dystrophy Type 2B (LGMD2B); MUSCULAR DYSTROPHY, LIMB-GIRDLE, AUTOSOMAL RECESSIVE 2. Identifiers: Orphanet 268, MedGen C1850889, MONDO:0009676, OMIM 253601.
Neuromuscular disease caused by qualitative or quantitative defects of dysferlin. Also called: Dysferlinopathy; Qualitative or quantitative defects of dysferlin. Identifiers: Orphanet 207073, MedGen C2931687, MONDO:0016145.

Allele frequency attached by ClinVar (database versions not stated): gnomAD exomes below 0.00001 and 0.00001; ExAC 0.00002; gnomAD 0.00004; TOPMed 0.00004; 1000 Genomes Project 0.00020; 1000 Genomes Project 30x 0.00031.
gnomAD v4.1: 8 of 1,614,084 alleles (0.0005%); highest among the groups gnomAD compares: African/African-American, 0.008%; no homozygotes.

Submissions (2):

Labcorp Genetics (formerly Invitae), Labcorp
Classification: Uncertain significance for Neuromuscular disease caused by qualitative or quantitative defects of dysferlin. Last evaluated: 2022-06-04. Review status: criteria provided, single submitter. Criteria: Invitae Variant Classification Sherloc (09022015). Collection method: clinical testing. Allele origin: germline.
Comment: This sequence change replaces glycine, which is neutral and non-polar, with glutamic acid, which is acidic and polar, at codon 347 of the DYSF protein (p.Gly347Glu). This variant is present in population databases (rs562361258, gnomAD 0.01%). This variant has not been reported in the literature in individuals affected with DYSF-related conditions. ClinVar contains an entry for this variant (Variation ID: 538644). Advanced modeling of protein sequence and biophysical properties (such as structural, functional, and spatial information, amino acid conservation, physicochemical variation, residue mobility, and thermodynamic stability) performed at Invitae indicates that this missense variant is expected to disrupt DYSF protein function. Algorithms developed to predict the effect of sequence changes on RNA splicing suggest that this variant may create or strengthen a splice site. In summary, the available evidence is currently insufficient to determine the role of this variant in disease. Therefore, it has been classified as a Variant of Uncertain Significance.

Natera, Inc.
Classification: Uncertain significance for Limb-girdle muscular dystrophy type 2B. Last evaluated: 2020-08-19. Review status: no assertion criteria provided. Collection method: clinical testing. Allele origin: germline. Not counted in ClinVar's aggregate classification.

NM_001130987.2(DYSF):c.1136G>A (p.Gly379Glu)

Gene: DYSF (dysferlin; plus strand). Cytogenetic location: 2p13.2.
Variant type: single nucleotide variant.
Coding change: c.1136G>A on transcript NM_001130987.2 (MANE Select); coding-DNA position 1136, G replaced by A.
Protein change: p.Gly379Glu; replaces glycine 379 with glutamic acid.
Molecular consequence: missense variant.
Genome position (GRCh38, 1-based): chr2:71,520,891, G>A. VCF-style: chr2-71520891-G-A. GRCh37 (hg19) VCF-style: chr2-71748021-G-A.
Other names: c.1043G>A, p.Gly348Glu (NM_001130455.2, NM_001130983.2, NM_001130984.2 and 1 more transcripts); c.1040G>A, p.Gly347Glu (NM_001130976.2, NM_001130977.2, NM_001130978.2 and 1 more transcripts); c.1133G>A, p.Gly378Glu (NM_001130979.2, NM_001130980.2, NM_001130981.2); c.1136G>A, p.Gly379Glu (NM_001130982.2, NM_001130985.2); short protein forms G347E, G379E, G378E, G348E.
Identifiers: ClinVar variation 538644 (VCV000538644.4), dbSNP rs562361258, ClinGen allele CA1705611.